The following is an entry in ClinVar:

NM_003748.4(ALDH4A1):c.1085C>A (p.Pro362Gln)

Gene: ALDH4A1 (aldehyde dehydrogenase 4 family member A1; minus strand). Cytogenetic location: 1p36.13.
Variant type: single nucleotide variant.
Coding change: c.1085C>A on transcript NM_003748.4 (MANE Select); coding-DNA position 1085, C replaced by A.
Protein change: p.Pro362Gln; replaces proline 362 with glutamine.
Molecular consequence: missense variant.
Genome position (GRCh38, 1-based): chr1:18,877,468, G>T on the plus strand (C>A on the coding strand, the complement: ALDH4A1 is on the minus strand). VCF-style: chr1-18877468-G-T. GRCh37 (hg19) VCF-style: chr1-19203962-G-T.
Other names: c.905C>A, p.Pro302Gln (NM_001161504.2); c.1085C>A, p.Pro362Gln (NM_001319218.2, NM_170726.3); short protein forms P362Q, P302Q.
Identifiers: ClinVar variation 1944795 (VCV001944795.5), dbSNP rs760173262, ClinGen allele CA338750635.
Genomic context (GRCh38, chr1:18,877,468, plus strand): 5'-CCACTCACGTCGCCCACTTTGATCCGACTGTGCTCCTCCAGCAGCCGCCCTTTGATCTGC[G>T]GCCACAGCGAGTGCGGCACGTAGAGACGCGAGCACGCGGAACACTTCTGGCCACCGTACT-3'
Protein context (NP_003739.2, residues 352-372): SRLYVPHSLW[Pro362Gln]QIKGRLLEEH

ClinVar aggregate classification (germline): Uncertain significance (1 of 4 stars; one submission).

Conditions:
Hyperprolinemia type 2 (HYRPRO2). Also called: Delta-1-pyrroline-5-carboxylate dehydrogenase deficiency; 1-PYRROLINE-5-CARBOXYLATE DEHYDROGENASE DEFICIENCY; Deficiency of pyrroline-5-carboxylate reductase. Identifiers: Orphanet 79101, MedGen C2931835, MONDO:0009401, OMIM 239510.

gnomAD v4.1: 2 of 1,595,836 alleles (0.00013%); highest among the groups gnomAD compares: Non-Finnish European, 0.000085%; no homozygotes.

Submission:

Labcorp Genetics (formerly Invitae), Labcorp
Classification: Uncertain significance for Hyperprolinemia type 2. Last evaluated: 2025-02-25. Review status: criteria provided, single submitter. Criteria: Invitae Variant Classification Sherloc (09022015). Collection method: clinical testing. Allele origin: germline.
Comment: This sequence change replaces proline, which is neutral and non-polar, with glutamine, which is neutral and polar, at codon 362 of the ALDH4A1 protein (p.Pro362Gln). This variant is not present in population databases (gnomAD no frequency). This variant has not been reported in the literature in individuals affected with ALDH4A1-related conditions. ClinVar contains an entry for this variant (Variation ID: 1944795). An algorithm developed to predict the effect of missense changes on protein structure and function (PolyPhen-2) suggests that this variant is likely to be disruptive. In summary, the available evidence is currently insufficient to determine the role of this variant in disease. Therefore, it has been classified as a Variant of Uncertain Significance.